The following is an entry in ClinVar:

NM_004958.4(MTOR):c.1322C>G (p.Ser441Cys)

Gene: MTOR (mechanistic target of rapamycin kinase; minus strand). Cytogenetic location: 1p36.22.
Variant type: single nucleotide variant.
Coding change: c.1322C>G on transcript NM_004958.4 (MANE Select); coding-DNA position 1322, C replaced by G.
Protein change: p.Ser441Cys; replaces serine 441 with cysteine.
Molecular consequence: missense variant.
Genome position (GRCh38, 1-based): chr1:11,243,204, G>C on the plus strand (C>G on the coding strand, the complement: MTOR is on the minus strand). VCF-style: chr1-11243204-G-C. GRCh37 (hg19) VCF-style: chr1-11303261-G-C.
Other names: c.1322C>G, p.Ser441Cys (NM_001386500.1); c.74C>G, p.Ser25Cys (NM_001386501.1); short protein forms S25C, S441C.
Identifiers: ClinVar variation 4529824 (VCV004529824.1).

ClinVar aggregate classification (germline): Uncertain significance (1 of 4 stars; one submission).

Submission:

GeneDx
Classification: Uncertain significance. Last evaluated: 2025-05-12. Review status: criteria provided, single submitter. Criteria: GeneDx Variant Classification Process June 2021. Collection method: clinical testing. Allele origin: germline. Affected: yes.
Comment: Not observed at significant frequency in large population cohorts (gnomAD); In silico analysis suggests that this missense variant does not alter protein structure/function; Has not been previously published as pathogenic or benign to our knowledge